The following is an entry in ClinVar:

NM_024740.2(ALG9):c.1406G>A (p.Arg469Lys)

Gene: ALG9 (ALG9 alpha-1,2-mannosyltransferase; minus strand). Cytogenetic location: 11q23.1.
Variant type: single nucleotide variant.
Coding change: c.1406G>A on transcript NM_024740.2 (MANE Select); coding-DNA position 1406, G replaced by A.
Protein change: p.Arg469Lys; replaces arginine 469 with lysine.
Molecular consequence: missense variant. On other transcripts: non-coding transcript variant (1).
Genome position (GRCh38, 1-based): chr11:111,837,534, C>T on the plus strand (G>A on the coding strand, the complement: ALG9 is on the minus strand). VCF-style: chr11-111837534-C-T. GRCh37 (hg19) VCF-style: chr11-111708257-C-T.
Other names: c.1385G>A, p.Arg462Lys (NM_001077690.1, NM_001352417.1); c.893G>A, p.Arg298Lys (NM_001077691.2, NM_001352413.1, NM_001352414.2 and 1 more transcripts); c.872G>A, p.Arg291Lys (NM_001077692.2, NM_001352409.1, NM_001352410.1 and 6 more transcripts); c.1262G>A, p.Arg421Lys (NM_001352418.1); c.797G>A, p.Arg266Lys (NM_001352422.2); c.749G>A, p.Arg250Lys (NM_001352423.2); short protein forms R266K, R298K, R421K, R250K, R462K, R469K, R291K.
Identifiers: ClinVar variation 2147528 (VCV002147528.2), dbSNP rs782185107, ClinGen allele CA382592410.
Genomic context (GRCh38, chr11:111,837,534, plus strand): 5'-GGAAGAAGGAAGCTGCTGGGAAATCGATACCACTCTTTTCCCACACAGACATTCACAGGT[C>T]TGCCTTCTGGGACAGTGTGGATGGTTGGGTCTGTAGCAATTCGGTAAAATTCTGGATACA-3'
Protein context (NP_079016.2, residues 459-479): DPTIHTVPEG[Arg469Lys]PVNVCVGKEW

ClinVar aggregate classification (germline): Uncertain significance (1 of 4 stars; one submission).

Conditions:
ALG9 congenital disorder of glycosylation (CDG1L). Also called: CDG Il; ALG9-CDG; CONGENITAL DISORDER OF GLYCOSYLATION, TYPE Il. Identifiers: Orphanet 79328, MedGen C2931006, MONDO:0012117, OMIM 608776.

Allele frequency attached by ClinVar (database versions not stated): TOPMed below 0.00001.
gnomAD v4.1: 3 of 1,614,076 alleles (0.00019%); highest among the groups gnomAD compares: Non-Finnish European, 0.00017%; no homozygotes.

Submission:

Labcorp Genetics (formerly Invitae), Labcorp
Classification: Uncertain significance for ALG9 congenital disorder of glycosylation. Last evaluated: 2022-06-11. Review status: criteria provided, single submitter. Criteria: Invitae Variant Classification Sherloc (09022015). Collection method: clinical testing. Allele origin: germline.
Comment: In summary, the available evidence is currently insufficient to determine the role of this variant in disease. Therefore, it has been classified as a Variant of Uncertain Significance. This variant has not been reported in the literature in individuals affected with ALG9-related conditions. Experimental studies and prediction algorithms are not available or were not evaluated, and the functional significance of this variant is currently unknown. This sequence change replaces arginine, which is basic and polar, with lysine, which is basic and polar, at codon 469 of the ALG9 protein (p.Arg469Lys). This variant is not present in population databases (gnomAD no frequency).